The following is an entry in ClinVar:

ClinVar aggregate classification (germline): Uncertain significance. Review status: criteria provided, multiple submitters, no conflicts (2 of 4 stars). 2 submissions from 2 submitters: Uncertain significance (2). Last evaluated 2024-10-16.

Conditions:
Inborn genetic diseases. Identifiers: MedGen C0950123, MeSH D030342.
Charcot-Marie-Tooth disease type 4. Also called: Charcot-Marie-Tooth, Type 4; Charcot-Marie-Tooth disease, type IV. Identifiers: Orphanet 64749, MedGen C4082197, MONDO:0018995.

Allele frequency attached by ClinVar (database versions not stated): gnomAD exomes below 0.00001 and 0.00001; ExAC 0.00001; gnomAD 0.00001; TOPMed 0.00001.
gnomAD v4.1: 14 of 1,614,036 alleles (0.00087%); highest among the groups gnomAD compares: Non-Finnish European, 0.0011%; no homozygotes.

Submissions (2):

Labcorp Genetics (formerly Invitae), Labcorp
Classification: Uncertain significance for Charcot-Marie-Tooth disease type 4. Last evaluated: 2024-10-16. Review status: criteria provided, single submitter. Criteria: Invitae Variant Classification Sherloc (09022015). Collection method: clinical testing. Allele origin: germline.
Comment: This sequence change replaces asparagine, which is neutral and polar, with aspartic acid, which is acidic and polar, at codon 752 of the SBF2 protein (p.Asn752Asp). This variant is present in population databases (rs775455068, gnomAD 0.0009%). This variant has not been reported in the literature in individuals affected with SBF2-related conditions. ClinVar contains an entry for this variant (Variation ID: 543369). Invitae Evidence Modeling of protein sequence and biophysical properties (such as structural, functional, and spatial information, amino acid conservation, physicochemical variation, residue mobility, and thermodynamic stability) indicates that this missense variant is not expected to disrupt SBF2 protein function with a negative predictive value of 80%. In summary, the available evidence is currently insufficient to determine the role of this variant in disease. Therefore, it has been classified as a Variant of Uncertain Significance.

Ambry Genetics
Classification: Uncertain significance for Inborn genetic diseases. Last evaluated: 2019-11-12. Review status: criteria provided, single submitter. Criteria: Ambry Variant Classification Scheme 2023. Collection method: clinical testing. Allele origin: germline.
Comment: The p.N752D variant (also known as c.2254A>G), located in coding exon 19 of the SBF2 gene, results from an A to G substitution at nucleotide position 2254. The asparagine at codon 752 is replaced by aspartic acid, an amino acid with highly similar properties. This amino acid position is well conserved in available vertebrate species. In addition, this alteration is predicted to be tolerated by in silico analysis. Since supporting evidence is limited at this time, the clinical significance of this alteration remains unclear.

NM_030962.4(SBF2):c.2254A>G (p.Asn752Asp)

Genes: SBF2 (SET binding factor 2; minus strand), LOC101928008 (uncharacterized LOC101928008; plus strand). Cytogenetic location: 11p15.4.
Variant type: single nucleotide variant.
Coding change: c.2254A>G on transcript NM_030962.4 (MANE Select); coding-DNA position 2254, A replaced by G.
Protein change: p.Asn752Asp; replaces asparagine 752 with aspartic acid.
Molecular consequence: missense variant.
Genome position (GRCh38, 1-based): chr11:9,856,567, T>C on the plus strand (A>G on the coding strand, the complement: SBF2 is on the minus strand). VCF-style: chr11-9856567-T-C. GRCh37 (hg19) VCF-style: chr11-9878114-T-C.
Other names: c.2254A>G, p.Asn752Asp (NM_001386339.1); c.2125A>G, p.Asn709Asp (NM_001386342.1); short protein forms N752D, N709D.
Identifiers: ClinVar variation 543369 (VCV000543369.9), dbSNP rs775455068, ClinGen allele CA5881603.